The following is an entry in ClinVar:

NM_001243.5(TNFRSF8):c.1470G>T (p.Pro490=)

Gene: TNFRSF8 (TNF receptor superfamily member 8; plus strand). Cytogenetic location: 1p36.22.
Variant type: single nucleotide variant.
Coding change: c.1470G>T on transcript NM_001243.5 (MANE Select); coding-DNA position 1470, G replaced by T.
Protein change: p.Pro490=; no amino-acid change (proline 490 retained).
Molecular consequence: synonymous variant.
Genome position (GRCh38, 1-based): chr1:12,138,363, G>T. VCF-style: chr1-12138363-G-T. GRCh37 (hg19) VCF-style: chr1-12198420-G-T.
Other names: c.1134G>T, p.Pro378= (NM_001281430.3).
Identifiers: ClinVar variation 732481 (VCV000732481.13), dbSNP rs142641214, ClinGen allele CA600509.

ClinVar aggregate classification (germline): Likely benign. Review status: criteria provided, multiple submitters, no conflicts (2 of 4 stars). 2 submissions from 2 submitters: Likely benign (2). Last evaluated 2025-05-01.

Allele frequency attached by ClinVar (database versions not stated): ESP Exome Variant Server 0.00092; TOPMed 0.00111; gnomAD 0.00134.
gnomAD v4.1: 1,853 of 1,613,552 alleles (0.11%); highest among the groups gnomAD compares: Non-Finnish European, 0.14%; 4 homozygotes.

Submissions (2):

CeGaT Center for Human Genetics Tuebingen
Classification: Likely benign. Last evaluated: 2025-05-01. Review status: criteria provided, single submitter. Criteria: CeGaT Center For Human Genetics Tuebingen Variant Classification Criteria Version 2. Collection method: clinical testing. Allele origin: germline. Affected: yes. Observed: 1 variant allele.
Comment: TNFRSF8: BP4, BP7

Labcorp Genetics (formerly Invitae), Labcorp
Classification: Likely benign. Last evaluated: 2018-08-22. Review status: criteria provided, single submitter. Criteria: Invitae Variant Classification Sherloc (09022015). Collection method: clinical testing. Allele origin: germline.